The following is an entry in ClinVar:

NM_002971.6(SATB1):c.1915G>A (p.Glu639Lys)

Gene: SATB1 (SATB homeobox 1; minus strand). Cytogenetic location: 3p24.3.
Variant type: single nucleotide variant.
Coding change: c.1915G>A on transcript NM_002971.6 (MANE Select); coding-DNA position 1915, G replaced by A.
Protein change: p.Glu639Lys; replaces glutamic acid 639 with lysine.
Molecular consequence: missense variant.
Genome position (GRCh38, 1-based): chr3:18,349,547, C>T on the plus strand (G>A on the coding strand, the complement: SATB1 is on the minus strand). VCF-style: chr3-18349547-C-T. GRCh37 (hg19) VCF-style: chr3-18391039-C-T.
Other names: c.2011G>A, p.Glu671Lys (NM_001322871.2, NM_001195470.3); c.1915G>A, p.Glu639Lys (NM_001322872.2, NM_001322873.2, NM_001322874.2 and 2 more transcripts); c.1699G>A, p.Glu567Lys (NM_001322876.2); short protein forms E567K, E639K, E671K.
Identifiers: ClinVar variation 5029006 (VCV005029006.1).
Genomic context (GRCh38, chr3:18,349,547, plus strand): 5'-GGATTCCCAAGGCTTCCACTGAAATTTTTGTTCGTGGCCGGGTCTTCTGTCGGTTTTCCT[C>T]ATCTGACTCTGCTGGAGAGGCCACCGTGGGTTGCCGTGGGGGGAGCCGAGGGCCTGTCTG-3'
Protein context (NP_002962.1, residues 629-649): PTVASPAESD[Glu639Lys]ENRQKTRPRT

ClinVar aggregate classification (germline): Uncertain significance (1 of 4 stars; one submission).

Conditions:
Inborn genetic diseases. Identifiers: MedGen C0950123, MeSH D030342.

gnomAD v4.1: 3 of 1,613,990 alleles (0.00019%); highest among the groups gnomAD compares: Admixed American, 0.005%; no homozygotes.

Submission:

Ambry Genetics
Classification: Uncertain significance for Inborn genetic diseases. Last evaluated: 2026-08-27. Review status: criteria provided, single submitter. Criteria: Ambry Variant Classification Scheme 2023. Collection method: clinical testing. Allele origin: germline.
Comment: The c.2011G>A (p.E671K) alteration is located in exon 12 (coding exon 11) of the SATB1 gene. This alteration results from a G to A substitution at nucleotide position 2011, causing the glutamic acid (E) at amino acid position 671 to be replaced by a lysine (K). Based on data from gnomAD, the A allele has an overall frequency of <0.001% (1/250740) total alleles studied. The highest observed frequency was 0.003% (1/34590) of Latino alleles. Based on insufficient or conflicting evidence, the clinical significance of this alteration remains unclear.